The following is an entry in ClinVar:

NM_001458.5(FLNC):c.6208+84C>T

Genes: FLNC (filamin C; plus strand), FLNC-AS1 (FLNC antisense RNA 1; minus strand). Cytogenetic location: 7q32.1.
Variant type: single nucleotide variant.
Coding change: c.6208+84C>T on transcript NM_001458.5 (MANE Select); 84 bases into the intron after coding-DNA position 6208, C replaced by T.
Molecular consequence: intron variant.
Genome position (GRCh38, 1-based): chr7:128,853,115, C>T. VCF-style: chr7-128853115-C-T. GRCh37 (hg19) VCF-style: chr7-128493169-C-T.
Other names: c.6109+84C>T (NM_001127487.2).
Identifiers: ClinVar variation 670517 (VCV000670517.2), dbSNP rs11971599, ClinGen allele CA16314844.

ClinVar aggregate classification (germline): Benign. Review status: criteria provided, multiple submitters, no conflicts (2 of 4 stars). 2 submissions from 2 submitters: Benign (2). Last evaluated 2018-06-18.

Allele frequency attached by ClinVar (database versions not stated): gnomAD 0.13953 and 0.14066; TOPMed 0.15561; 1000 Genomes Project 0.23522; 1000 Genomes Project 30x 0.23735.
gnomAD v4.1: 98,359 of 1,333,544 alleles (7.4%); highest among the groups gnomAD compares: African/African-American, 33%; 8,481 homozygotes.

Submissions (2):

GeneDx
Classification: Benign. Last evaluated: 2018-06-18. Review status: criteria provided, single submitter. Criteria: GeneDx Variant Classification (06012015). Collection method: clinical testing. Allele origin: germline. Affected: yes.
Comment: This variant is considered likely benign or benign based on one or more of the following criteria: it is a conservative change, it occurs at a poorly conserved position in the protein, it is predicted to be benign by multiple in silico algorithms, and/or has population frequency not consistent with disease.

Breakthrough Genomics
Classification: Benign. Review status: criteria provided, single submitter. Criteria: ACMG Guidelines, 2015. Collection method: not provided. Allele origin: germline. Inheritance: Autosomal dominant inheritance. Affected: yes.